The following is an entry in ClinVar:

NM_005530.3(IDH3A):c.365C>T (p.Ala122Val)

Gene: IDH3A (isocitrate dehydrogenase (NAD(+)) 3 catalytic subunit alpha; plus strand). Cytogenetic location: 15q25.1.
Variant type: single nucleotide variant.
Coding change: c.365C>T on transcript NM_005530.3 (MANE Select); coding-DNA position 365, C replaced by T.
Protein change: p.Ala122Val; replaces alanine 122 with valine.
Molecular consequence: missense variant.
Genome position (GRCh38, 1-based): chr15:78,161,656, C>T. VCF-style: chr15-78161656-C-T. GRCh37 (hg19) VCF-style: chr15-78453998-C-T.
Other names: c.365C>T (NM_005530.2); short protein forms A122V.
Identifiers: ClinVar variation 1056144 (VCV001056144.10), dbSNP rs766657715, ClinGen allele CA7680554.
Genomic context (GRCh38, chr15:78,161,656, plus strand): 5'-CAATAGCAGCCGGTCACCCATCTATGAATTTACTGCTGCGCAAAACATTTGACCTTTACG[C>T]GAATGTCCGACCATGTGTCTCTATCGAAGGCTATAAAACCCCTTACACCGATGTAAATAT-3'
Protein context (NP_005521.1, residues 112-132): LLLRKTFDLY[Ala122Val]NVRPCVSIEG

ClinVar aggregate classification (germline): Uncertain significance. Review status: criteria provided, multiple submitters, no conflicts (2 of 4 stars). 2 submissions from 2 submitters: Uncertain significance (2). Last evaluated 2025-10-15.

Allele frequency attached by ClinVar (database versions not stated): gnomAD exomes below 0.00001; ExAC 0.00001; gnomAD 0.00001; TOPMed 0.00001.
gnomAD v4.1: 8 of 1,614,048 alleles (0.0005%); highest among the groups gnomAD compares: Admixed American, 0.0033%; no homozygotes.

Submissions (2):

Ambry Genetics
Classification: Uncertain significance. Last evaluated: 2025-10-15. Review status: criteria provided, single submitter. Criteria: Ambry Variant Classification Scheme 2023. Collection method: clinical testing. Allele origin: germline.

Labcorp Genetics (formerly Invitae), Labcorp
Classification: Uncertain significance. Last evaluated: 2022-09-26. Review status: criteria provided, single submitter. Criteria: Invitae Variant Classification Sherloc (09022015). Collection method: clinical testing. Allele origin: germline.
Comment: This sequence change replaces alanine, which is neutral and non-polar, with valine, which is neutral and non-polar, at codon 122 of the IDH3A protein (p.Ala122Val). This variant is present in population databases (rs766657715, gnomAD 0.003%). This variant has not been reported in the literature in individuals affected with IDH3A-related conditions. ClinVar contains an entry for this variant (Variation ID: 1056144). Advanced modeling of protein sequence and biophysical properties (such as structural, functional, and spatial information, amino acid conservation, physicochemical variation, residue mobility, and thermodynamic stability) performed at Invitae indicates that this missense variant is not expected to disrupt IDH3A protein function. In summary, the available evidence is currently insufficient to determine the role of this variant in disease. Therefore, it has been classified as a Variant of Uncertain Significance.